The following is an entry in ClinVar:

NM_001035.3(RYR2):c.10943G>T (p.Gly3648Val)

Gene: RYR2 (ryanodine receptor 2; plus strand). Cytogenetic location: 1q43.
Variant type: single nucleotide variant.
Coding change: c.10943G>T on transcript NM_001035.3 (MANE Select); coding-DNA position 10943, G replaced by T.
Protein change: p.Gly3648Val; replaces glycine 3648 with valine.
Molecular consequence: missense variant.
Genome position (GRCh38, 1-based): chr1:237,732,053, G>T. VCF-style: chr1-237732053-G-T. GRCh37 (hg19) VCF-style: chr1-237895353-G-T.
Other names: short protein forms G3648V.
Identifiers: ClinVar variation 1332502 (VCV001332502.3), dbSNP rs528573895, ClinGen allele CA39813734.

ClinVar aggregate classification (germline): Uncertain significance (1 of 4 stars; one submission).

Conditions:
Cardiomyopathy (CMYO). Also called: Cardiomyopathies. Identifiers: Orphanet 167848, MedGen C0878544, MONDO:0004994, HP:0001638. Inheritance: Various modes of inheritance.

Allele frequency attached by ClinVar (database versions not stated): 1000 Genomes Project 30x 0.00016; 1000 Genomes Project 0.00020.

Submission:

Color Diagnostics, LLC DBA Color Health
Classification: Uncertain significance for Cardiomyopathy. Last evaluated: 2024-03-07. Review status: criteria provided, single submitter. Criteria: ACMG Guidelines, 2015. Collection method: clinical testing. Allele origin: germline.
Comment: This missense variant replaces glycine with valine at codon 3648 of the RYR2 protein. Computational prediction is inconclusive regarding the impact of this variant on protein structure and function (internally defined REVEL score threshold 0.5 < inconclusive < 0.7, PMID: 27666373). To our knowledge, functional studies have not been reported for this variant. This variant has not been reported in individuals affected with cardiovascular disorders in the literature. This variant has not been identified in the general population by the Genome Aggregation Database (gnomAD). The available evidence is insufficient to determine the role of this variant in disease conclusively. Therefore, this variant is classified as a Variant of Uncertain Significance.